The following is an entry in ClinVar:

NM_015404.4(WHRN):c.1625G>A (p.Arg542Lys)

Gene: WHRN (whirlin; minus strand). Cytogenetic location: 9q32.
Variant type: single nucleotide variant.
Coding change: c.1625G>A on transcript NM_015404.4 (MANE Select); coding-DNA position 1625, G replaced by A.
Protein change: p.Arg542Lys; replaces arginine 542 with lysine.
Molecular consequence: missense variant.
Genome position (GRCh38, 1-based): chr9:114,423,315, C>T on the plus strand (G>A on the coding strand, the complement: WHRN is on the minus strand). VCF-style: chr9-114423315-C-T. GRCh37 (hg19) VCF-style: chr9-117185595-C-T.
Other names: c.476G>A, p.Arg159Lys (NM_001083885.3); c.1625G>A, p.Arg542Lys (NM_001173425.2); c.572G>A, p.Arg191Lys (NM_001346890.1); c.1625G>A (NM_015404.2); short protein forms R542K, R159K, R191K.
Identifiers: ClinVar variation 45659 (VCV000045659.17), dbSNP rs200040563, ClinGen allele CA136891.

ClinVar aggregate classification (germline): Uncertain significance. Review status: criteria provided, multiple submitters, no conflicts (2 of 4 stars). 5 submissions from 5 submitters: Uncertain significance (5). Last evaluated 2025-06-15.

Conditions:
WHRN-related disorder. Also called: WHRN-related condition.

Allele frequency attached by ClinVar (database versions not stated): gnomAD exomes 0.00002; ExAC 0.00006; ESP Exome Variant Server 0.00008; gnomAD 0.00010; 1000 Genomes Project 30x 0.00031; 1000 Genomes Project 0.00040.
gnomAD v4.1: 30 of 1,613,950 alleles (0.0019%); highest among the groups gnomAD compares: African/African-American, 0.032%; no homozygotes.

Submissions (5):

PreventionGenetics, part of Exact Sciences
Classification: Uncertain significance for WHRN-related condition. Last evaluated: 2025-06-15. Review status: criteria provided, single submitter. Criteria: ACMG Guidelines, 2015. Collection method: clinical testing. Allele origin: germline.
Comment: The WHRN c.1625G>A variant is predicted to result in the amino acid substitution p.Arg542Lys. To our knowledge, this variant has not been reported in the literature. This variant is reported in 0.028% of alleles in individuals of African descent in gnomAD. At this time, the clinical significance of this variant is uncertain due to the absence of conclusive functional and genetic evidence.

GeneDx
Classification: Uncertain significance. Last evaluated: 2025-04-03. Review status: criteria provided, single submitter. Criteria: GeneDx Variant Classification Process June 2021. Collection method: clinical testing. Allele origin: germline. Affected: yes.
Comment: In silico analysis indicates that this missense variant does not alter protein structure/function; Has not been previously published as pathogenic or benign to our knowledge

Labcorp Genetics (formerly Invitae), Labcorp
Classification: Uncertain significance. Last evaluated: 2024-08-08. Review status: criteria provided, single submitter. Criteria: Invitae Variant Classification Sherloc (09022015). Collection method: clinical testing. Allele origin: germline.
Comment: This sequence change replaces arginine, which is basic and polar, with lysine, which is basic and polar, at codon 542 of the WHRN protein (p.Arg542Lys). This variant is present in population databases (rs200040563, gnomAD 0.03%). This variant has not been reported in the literature in individuals affected with WHRN-related conditions. ClinVar contains an entry for this variant (Variation ID: 45659). An algorithm developed to predict the effect of missense changes on protein structure and function (PolyPhen-2) suggests that this variant is likely to be disruptive. In summary, the available evidence is currently insufficient to determine the role of this variant in disease. Therefore, it has been classified as a Variant of Uncertain Significance.

Blueprint Genetics
Classification: Uncertain significance. Last evaluated: 2021-12-23. Review status: criteria provided, single submitter. Criteria: ACMG Guidelines, 2015. Collection method: clinical testing. Allele origin: germline.

Laboratory for Molecular Medicine, Mass General Brigham Personalized Medicine
Classification: Uncertain significance. Last evaluated: 2011-10-05. Review status: criteria provided, single submitter. Criteria: LMM Criteria. Collection method: clinical testing. Allele origin: germline. Observed: 1 variant allele.
Comment: Variant classified as Uncertain Significance - Favor Benign. The Arg542Lys varia nt in DFNB31 has not been reported in the literature nor previously identified b y our laboratory. This residue is conserved across species; however, computation al analyses (biochemical amino acid properties, PolyPhen2, SIFT, AlignGVGD) do n ot provide strong support for or against pathogenicity. The Arg542Lys variant oc curs in the second to last base of the exon. This position is part of the splici ng consensus sequence and variants involving this position sometimes affect spli cing. However, splicing prediction programs suggest that this variant will not s ignificantly impact splicing. It should be noted that this lab has only sequence d DFNB31 in 8 Ashkenazi Jewish probands and no Ashkenazi Jewish healthy controls . In addition, healthy control information is limited in both public databases o r scientific literature, such that the full spectrum of benign variation has not yet been defined for this population. Future analysis could reveal that the Arg 542Lys variant is common in this population and therefore unlikely to be pathoge nic. In summary, the clinical significance of this variant cannot be determined with certainty at this time.